The following is an entry in ClinVar:

ClinVar aggregate classification (germline): Conflicting classifications of pathogenicity. Review status: criteria provided, conflicting classifications (1 of 4 stars). 3 submissions from 3 submitters: Uncertain significance (2); Likely benign (1). Last evaluated 2024-02-29.

Conditions:
Catecholaminergic polymorphic ventricular tachycardia 1. Also called: RYR2-Related Catecholaminergic Polymorphic Ventricular Tachycardia; VENTRICULAR TACHYCARDIA, STRESS-INDUCED POLYMORPHIC 1; VENTRICULAR TACHYCARDIA, CATECHOLAMINERGIC POLYMORPHIC, 1, WITH OR WITHOUT ATRIAL DYSFUNCTION AND/OR DILATED CARDIOMYOPATHY. Identifiers: Orphanet 3286, MedGen C1631597, MONDO:0011484, OMIM 604772.

Allele frequency attached by ClinVar (database versions not stated): gnomAD exomes 0.00001 and 0.00004; ExAC 0.00003.
gnomAD v4.1: 20 of 1,613,942 alleles (0.0012%); highest among the groups gnomAD compares: Non-Finnish European, 0.00068%; no homozygotes.

Submissions (3):

Labcorp Genetics (formerly Invitae), Labcorp
Classification: Uncertain significance for Catecholaminergic polymorphic ventricular tachycardia 1. Last evaluated: 2024-02-29. Review status: criteria provided, single submitter. Criteria: Invitae Variant Classification Sherloc (09022015). Collection method: clinical testing. Allele origin: germline.
Comment: This sequence change replaces glycine, which is neutral and non-polar, with serine, which is neutral and polar, at codon 1832 of the RYR2 protein (p.Gly1832Ser). This variant is present in population databases (rs727504983, gnomAD 0.02%). This variant has not been reported in the literature in individuals affected with RYR2-related conditions. ClinVar contains an entry for this variant (Variation ID: 179603). Advanced modeling of protein sequence and biophysical properties (such as structural, functional, and spatial information, amino acid conservation, physicochemical variation, residue mobility, and thermodynamic stability) has been performed at Invitae for this missense variant, however the output from this modeling did not meet the statistical confidence thresholds required to predict the impact of this variant on RYR2 protein function. In summary, the available evidence is currently insufficient to determine the role of this variant in disease. Therefore, it has been classified as a Variant of Uncertain Significance.

Blueprint Genetics
Classification: Likely benign. Last evaluated: 2023-04-27. Review status: criteria provided, single submitter. Criteria: ACMG Guidelines, 2015. Collection method: clinical testing. Allele origin: germline.

Laboratory for Molecular Medicine, Mass General Brigham Personalized Medicine
Classification: Uncertain significance. Last evaluated: 2014-03-12. Review status: criteria provided, single submitter. Criteria: LMM Criteria. Collection method: clinical testing. Allele origin: germline. Observed: 1 variant allele.
Comment: The Gly1832Ser variant in RYR2 has not been previously reported in individuals w ith cardiomyopathy or in large population studies. The affected amino acid is co nserved in evolution, suggesting that a change would not be tolerated. Other co mputational analyses do not provide strong support for or against an impact to t he protein. Additional information is needed to fully assess the clinical signif icance of the Gly1832Ser variant.

NM_001035.3(RYR2):c.5494G>A (p.Gly1832Ser)

Gene: RYR2 (ryanodine receptor 2; plus strand). Cytogenetic location: 1q43.
Variant type: single nucleotide variant.
Coding change: c.5494G>A on transcript NM_001035.3 (MANE Select); coding-DNA position 5494, G replaced by A.
Protein change: p.Gly1832Ser; replaces glycine 1832 with serine.
Molecular consequence: missense variant.
Genome position (GRCh38, 1-based): chr1:237,614,622, G>A. VCF-style: chr1-237614622-G-A. GRCh37 (hg19) VCF-style: chr1-237777922-G-A.
Other names: short protein forms G1832S.
Identifiers: ClinVar variation 179603 (VCV000179603.9), dbSNP rs727504983, ClinGen allele CA009863.
Genomic context (GRCh38, chr1:237,614,622, plus strand): 5'-GGGACTACTGAATTCCTCTTTGTACCTCTCATCAAGCTTTTCTATACCCTGCTGATCATG[G>A]GCATCTTTCACAACGAGGACTTGAAGCACATCTTGCAGTTGATTGAGCCCAGTGTGTTTA-3'
Protein context (NP_001026.2, residues 1822-1842): IKLFYTLLIM[Gly1832Ser]IFHNEDLKHI